The following is an entry in ClinVar:

ClinVar aggregate classification (germline): Pathogenic/Likely pathogenic. Review status: criteria provided, multiple submitters, no conflicts (2 of 4 stars). 4 submissions from 4 submitters: Pathogenic (2); Likely pathogenic (2). Last evaluated 2026-10-13.

Conditions:
Inborn genetic diseases. Identifiers: MedGen C0950123, MeSH D030342.
Neurooculocardiogenitourinary syndrome. Identifiers: Orphanet 684305, MedGen C5231443, MONDO:0032850, OMIM 618652.

Allele frequency attached by ClinVar (database versions not stated): gnomAD exomes below 0.00001.
gnomAD v4.1: 1 of 1,614,196 alleles (0.000062%); highest among the groups gnomAD compares: Non-Finnish European, 0.000085%; no homozygotes.

Submissions (4):

Clinical Genetics Laboratory, Skane University Hospital Lund
Classification: Likely pathogenic for Neurooculocardiogenitourinary syndrome. Last evaluated: 2026-10-13. Review status: criteria provided, single submitter. Criteria: ACMG Guidelines, 2015. Collection method: clinical testing. Allele origin: inherited, germline. Inheritance: Autosomal dominant inheritance. Affected: yes and no.
Comment: WDR37 (NM_014023.4) c.373A>G p.(Thr125Ala) represents a nucleotide substitution in exon 5 of 14, resulting in the amino acid change described above. WDR37 c.373A>G has previously been identified at a low allele frequency in the general population, is reported predominantly as pathogenic in the ClinVar database (Accession: VCV001199795.7), and has been described in the literature where it was observed as a de novo variant (PMID: 33057194 and 35982159). The variant is located within a functionally important domain of the protein, where several nearby pathogenic missense variants between amino acids p.Thr115 and p.Thr130 have been reported (see, among others, PMID: 34642815 and 31327510). Another amino acid substitution affecting the same residue (c.374C>T; p.Thr125Ile) has been reported as pathogenic/likely pathogenic in ClinVar (Accession: VCV000440948.11). Variable expressivity and reduced penetrance have been described in the literature (see PMID: 34642815). The variant has been classified as likely pathogenic according to the following ACMG criteria: PM1, PM2, PM5, PM6_Supporting, and BP4.

Victorian Clinical Genetics Services, Murdoch Childrens Research Institute
Classification: Pathogenic for Neurooculocardiogenitourinary syndrome. Last evaluated: 2026-01-13. Review status: criteria provided, single submitter. Criteria: ACMG Guidelines, 2015. Collection method: clinical testing. Allele origin: germline. Affected: yes.
Comment: This variant is classified as Pathogenic. Evidence in support of pathogenic classification: Variant is present in gnomAD <0.001 for a dominant condition (v4: 1 heterozygote(s), 0 homozygote(s)); This variant has moderate previous evidence of pathogenicity in unrelated individuals. This variant has been classified as likely pathogenic/pathogenic by clinical laboratories in ClinVar. Additionally, it has been observed de novo in an individual with WDR37-related features (DECIPHER); Another missense variant comparable to the one identified in this case has moderate previous evidence for pathogenicity. p.(Thr125Ile) has been classified as pathogenic by clinical laboratories in ClinVar; Variant is located in a hotspot region or cluster of PATHOGENIC variants (DECIPHER); Additional information: Variant is predicted to result in a missense amino acid change from Thr to Ala; This variant is heterozygous; This gene is associated with autosomal dominant disease; No published evidence of segregation with disease has been identified for this variant; No published functional evidence has been identified for this variant; Missense variant with inconclusive in silico prediction and/or uninformative conservation; Dominant negative is a suggested mechanism of disease in this gene and is associated with neurooculocardiogenitourinary syndrome (MIM#618652; PMID: 31327510); Variants in this gene are known to have variable expressivity (PMID: 34642815).

GeneDx
Classification: Pathogenic. Last evaluated: 2025-05-17. Review status: criteria provided, single submitter. Criteria: GeneDx Variant Classification Process June 2021. Collection method: clinical testing. Allele origin: germline. Affected: yes.
Comment: De novo variant with confirmed parentage in a patient in published literature from a cohort of individuals with developmental disorders; however, detailed clinical information was not provided and de novo variants in other genes were reported (PMID: 33057194); Not observed at significant frequency in large population cohorts (gnomAD); In silico analysis suggests that this missense variant does not alter protein structure/function; This variant is associated with the following publications: (PMID: 35982159, 33057194)

Ambry Genetics
Classification: Likely pathogenic for Inborn genetic diseases. Last evaluated: 2023-11-16. Review status: criteria provided, single submitter. Criteria: Ambry Variant Classification Scheme 2023. Collection method: clinical testing. Allele origin: germline.
Comment: The c.373A>G (p.T125A) alteration is located in exon 5 (coding exon 4) of the WDR37 gene. This alteration results from a A to G substitution at nucleotide position 373, causing the threonine (T) at amino acid position 125 to be replaced by an alanine (A). This variant was not reported in population-based cohorts in the Genome Aggregation Database (gnomAD). This alteration was reported as a de novo occurrence in an individual with WDR37-related neurooculocardiogenitourinary syndrome (DECIPHER v.9.32). This amino acid position is highly conserved in available vertebrate species. The in silico prediction for this alteration is inconclusive. Based on the available evidence, this alteration is classified as likely pathogenic.

Literature cited by the submitters: PubMed 31327510 (cited by Victorian Clinical Genetics Services, Murdoch Childrens Research Institute); PubMed 34642815 (cited by Victorian Clinical Genetics Services, Murdoch Childrens Research Institute).

NM_014023.4(WDR37):c.373A>G (p.Thr125Ala)

Gene: WDR37 (WD repeat domain 37; plus strand). Cytogenetic location: 10p15.3.
Variant type: single nucleotide variant.
Coding change: c.373A>G on transcript NM_014023.4 (MANE Select); coding-DNA position 373, A replaced by G.
Protein change: p.Thr125Ala; replaces threonine 125 with alanine.
Molecular consequence: missense variant.
Genome position (GRCh38, 1-based): chr10:1,080,453, A>G. VCF-style: chr10-1080453-A-G. GRCh37 (hg19) VCF-style: chr10-1126393-A-G.
Other names: short protein forms T125A.
Identifiers: ClinVar variation 1199795 (VCV001199795.8), dbSNP rs2131625525, ClinGen allele CA375856300.